The following is an entry in ClinVar:

ClinVar aggregate classification (germline): Pathogenic/Likely pathogenic. Review status: criteria provided, multiple submitters, no conflicts (2 of 4 stars). 4 submissions from 4 submitters: Pathogenic (1); Likely pathogenic (3). Last evaluated 2025-04-22.

Conditions:
Peters plus syndrome. Also called: KRAUSE-KIVLIN SYNDROME. Identifiers: Orphanet 709, MedGen C0796012, MONDO:0009856, OMIM 261540.
B3GLCT-related disorder. Also called: B3GLCT-related condition.

gnomAD v4.1: 26 of 1,614,026 alleles (0.0016%); highest among the groups gnomAD compares: Non-Finnish European, 0.0021%; no homozygotes.

Submissions (4):

Variantyx, Inc.
Classification: Likely pathogenic for Peters plus syndrome. Last evaluated: 2025-04-22. Review status: criteria provided, single submitter. Criteria: Variantyx Assertion Criteria 2022. Collection method: clinical testing. Allele origin: germline. Inheritance: Autosomal recessive inheritance. Affected: no.
Comment: This is a nonsense variant in the B3GLCT gene (OMIM: 610308). Pathogenic variants in this gene have been associated with autosomal recessive Peters-plus syndrome. This variant introduces a premature termination codon in exon 13 out of 15 and is expected to result in loss of function, which is a known disease mechanism for B3GLCT in this disorder (PMID: 18199743, 16909395) (PVS1). It has a 0.0022% maximum allele frequency in non-founder control populations (PM2). Based on the current evidence, this variant is classified as likely pathogenic for autosomal recessive Peters-plus syndrome.

PreventionGenetics, part of Exact Sciences
Classification: Likely pathogenic for B3GLCT-related condition. Last evaluated: 2023-07-24. Review status: criteria provided, single submitter. Criteria: ACMG Guidelines, 2015. Collection method: clinical testing. Allele origin: germline.
Comment: The B3GLCT c.1140C>A variant is predicted to result in premature protein termination (p.Tyr380*). To our knowledge, this variant has not been reported in the literature. This variant is reported in 0.0018% of alleles in individuals of European (Non-Finnish) descent in gnomAD. Nonsense variants in B3GLCT are expected to be pathogenic. This variant is interpreted as likely pathogenic.

Revvity Omics, Revvity
Classification: Likely pathogenic for Peters plus syndrome. Last evaluated: 2022-07-17. Review status: criteria provided, single submitter. Criteria: ACMG Guidelines, 2015. Collection method: clinical testing. Allele origin: germline.

Genetic Services Laboratory, University of Chicago
Classification: Pathogenic. Last evaluated: 2018-07-17. Review status: criteria provided, single submitter. Criteria: ACMG Guidelines, 2015. Collection method: clinical testing. Allele origin: germline. Affected: yes.
Comment: DNA sequence analysis of the B3GALTL gene demonstrated a sequence change, c.1140C>A, in exon 13 which results in the creation of a premature stop codon at amino acid position 380, p.Tyr380*. This pathogenic sequence change is predicted to result in an abnormal transcript, which may be degraded, or may lead to the production of a truncated B3GALTL protein with potentially abnormal function. While this particular pathogenic sequence change has not been described in the literature, other truncating variants have been reported in the B3GALTL gene in patients with Peter-plus syndrome.

Literature cited by the submitters: PubMed 18199743 (cited by Variantyx, Inc.); PubMed 16909395 (cited by Variantyx, Inc.).

NM_194318.4(B3GLCT):c.1140C>A (p.Tyr380Ter)

Gene: B3GLCT (beta 3-glucosyltransferase; plus strand). Cytogenetic location: 13q12.3.
Variant type: single nucleotide variant.
Coding change: c.1140C>A on transcript NM_194318.4 (MANE Select); coding-DNA position 1140, C replaced by A.
Protein change: p.Tyr380Ter; replaces tyrosine 380 with a stop codon.
Molecular consequence: nonsense.
Genome position (GRCh38, 1-based): chr13:31,317,641, C>A. VCF-style: chr13-31317641-C-A. GRCh37 (hg19) VCF-style: chr13-31891778-C-A.
Other names: short protein forms Y380*.
Identifiers: ClinVar variation 1335808 (VCV001335808.9), dbSNP rs199908878, ClinGen allele CA6936827.